The following is an entry in ClinVar:

NM_138691.3(TMC1):c.1309A>G (p.Ile437Val)

Gene: TMC1 (transmembrane channel like 1; plus strand). Cytogenetic location: 9q21.13.
Variant type: single nucleotide variant.
Coding change: c.1309A>G on transcript NM_138691.3 (MANE Select); coding-DNA position 1309, A replaced by G.
Protein change: p.Ile437Val; replaces isoleucine 437 with valine.
Molecular consequence: missense variant.
Genome position (GRCh38, 1-based): chr9:72,791,970, A>G. VCF-style: chr9-72791970-A-G. GRCh37 (hg19) VCF-style: chr9-75406886-A-G.
Other names: c.1309A>G (NM_138691.2); short protein forms I437V.
Identifiers: ClinVar variation 2806177 (VCV002806177.4), dbSNP rs770517350, ClinGen allele CA373506150.
Genomic context (GRCh38, chr9:72,791,970, plus strand): 5'-GGGATGTTCTGTCCAACATTGTTTGACTTATTTGCTGAATTAGAAGACTACCATCCTCTC[A>G]TCGCTTTGAAATGGCTACTGGGACGCATTTTTGCTCTTCTTTTAGGCAATTTATACGTAT-3'
Protein context (NP_619636.2, residues 427-447): FAELEDYHPL[Ile437Val]ALKWLLGRIF

ClinVar aggregate classification (germline): Uncertain significance. Review status: criteria provided, multiple submitters, no conflicts (2 of 4 stars). 2 submissions from 2 submitters: Uncertain significance (2). Last evaluated 2025-03-18.

Conditions:
Inborn genetic diseases. Identifiers: MedGen C0950123, MeSH D030342.

gnomAD v4.1: 2 of 1,613,694 alleles (0.00012%); highest among the groups gnomAD compares: Non-Finnish European, 0.000085%; no homozygotes.

Submissions (2):

Labcorp Genetics (formerly Invitae), Labcorp
Classification: Uncertain significance. Last evaluated: 2025-03-18. Review status: criteria provided, single submitter. Criteria: Invitae Variant Classification Sherloc (09022015). Collection method: clinical testing. Allele origin: germline.
Comment: This sequence change replaces isoleucine, which is neutral and non-polar, with valine, which is neutral and non-polar, at codon 437 of the TMC1 protein (p.Ile437Val). This variant is not present in population databases (gnomAD no frequency). This variant has not been reported in the literature in individuals affected with TMC1-related conditions. ClinVar contains an entry for this variant (Variation ID: 2806177). Invitae Evidence Modeling of protein sequence and biophysical properties (such as structural, functional, and spatial information, amino acid conservation, physicochemical variation, residue mobility, and thermodynamic stability) indicates that this missense variant is not expected to disrupt TMC1 protein function with a negative predictive value of 80%. In summary, the available evidence is currently insufficient to determine the role of this variant in disease. Therefore, it has been classified as a Variant of Uncertain Significance.

Ambry Genetics
Classification: Uncertain significance for Inborn genetic diseases. Last evaluated: 2025-01-08. Review status: criteria provided, single submitter. Criteria: Ambry Variant Classification Scheme 2023. Collection method: clinical testing. Allele origin: germline.